The following is an entry in ClinVar:

ClinVar aggregate classification (germline): Uncertain significance (1 of 4 stars; one submission).

Allele frequency attached by ClinVar (database versions not stated): gnomAD exomes below 0.00001.
gnomAD v4.1: 2 of 1,614,056 alleles (0.00012%); highest among the groups gnomAD compares: Non-Finnish European, 0.000085%; no homozygotes.

Submission:

GeneDx
Classification: Uncertain significance. Last evaluated: 2019-10-01. Review status: criteria provided, single submitter. Criteria: GeneDx Variant Classification Process June 2021. Collection method: clinical testing. Allele origin: germline. Affected: yes.
Comment: The majority of missense variants in this gene are considered pathogenic (Stenson et al., 2014); In silico analysis, which includes protein predictors and evolutionary conservation, supports a deleterious effect; Has not been previously published as pathogenic or benign to our knowledge

NM_001101.5(ACTB):c.155C>T (p.Ser52Phe)

Gene: ACTB (actin beta; minus strand). Cytogenetic location: 7p22.1.
Variant type: single nucleotide variant.
Coding change: c.155C>T on transcript NM_001101.5 (MANE Select); coding-DNA position 155, C replaced by T.
Protein change: p.Ser52Phe; replaces serine 52 with phenylalanine.
Molecular consequence: missense variant.
Genome position (GRCh38, 1-based): chr7:5,529,369, G>A on the plus strand (C>T on the coding strand, the complement: ACTB is on the minus strand). VCF-style: chr7-5529369-G-A. GRCh37 (hg19) VCF-style: chr7-5569000-G-A.
Other names: c.155C>T (LRG_132t1); short protein forms S52F.
Identifiers: ClinVar variation 279943 (VCV000279943.3), dbSNP rs886041271, ClinGen allele CA10603032.